The following is an entry in ClinVar:

ClinVar aggregate classification (germline): Uncertain significance (1 of 4 stars; one submission).

Conditions:
Aicardi-Goutieres syndrome 7 (AGS7). Identifiers: Orphanet 51, MedGen C3888244, MONDO:0014367, OMIM 615846.
Singleton-Merten syndrome 1 (SGMRT1). Also called: Widened medullary cavities of bone, aortic calcification, abnormal dentition, and muscular weakness; Syndrome of widened medullary cavities of the metacarpals and phalanges, aortic calcification and abnormal dentition. Identifiers: Orphanet 85191, MedGen C4225427, MONDO:0024535, OMIM 182250.

Allele frequency attached by ClinVar (database versions not stated): gnomAD exomes below 0.00001.
gnomAD v4.1: 1 of 1,613,800 alleles (0.000062%); highest among the groups gnomAD compares: Non-Finnish European, 0.000085%; no homozygotes.

Submission:

Labcorp Genetics (formerly Invitae), Labcorp
Classification: Uncertain significance for Aicardi-Goutieres syndrome 7; Singleton-Merten syndrome 1. Last evaluated: 2017-09-09. Review status: criteria provided, single submitter. Criteria: Invitae Variant Classification Sherloc (09022015). Collection method: clinical testing. Allele origin: germline.
Comment: This sequence change replaces valine with leucine at codon 194 of the IFIH1 protein (p.Val194Leu). The valine residue is weakly conserved and there is a small physicochemical difference between valine and leucine. This variant is not present in population databases (ExAC no frequency). This variant has not been reported in the literature in individuals with IFIH1-related disease. Algorithms developed to predict the effect of missense changes on protein structure and function (SIFT, PolyPhen-2, Align-GVGD) all suggest that this variant is likely to be tolerated, but these predictions have not been confirmed by published functional studies and their clinical significance is uncertain. In summary, the available evidence is currently insufficient to determine the role of this variant in disease. Therefore, it has been classified as a Variant of Uncertain Significance.

NM_022168.4(IFIH1):c.580G>C (p.Val194Leu)

Gene: IFIH1 (interferon induced with helicase C domain 1; minus strand). Cytogenetic location: 2q24.2.
Variant type: single nucleotide variant.
Coding change: c.580G>C on transcript NM_022168.4 (MANE Select); coding-DNA position 580, G replaced by C.
Protein change: p.Val194Leu; replaces valine 194 with leucine.
Molecular consequence: missense variant.
Genome position (GRCh38, 1-based): chr2:162,310,807, C>G on the plus strand (G>C on the coding strand, the complement: IFIH1 is on the minus strand). VCF-style: chr2-162310807-C-G. GRCh37 (hg19) VCF-style: chr2-163167317-C-G.
Other names: c.580G>C, p.Val194Leu (LRG_1235t1); short protein forms V194L.
Identifiers: ClinVar variation 541771 (VCV000541771.8), dbSNP rs1553461143, ClinGen allele CA349010855.